The following is an entry in ClinVar:

ClinVar aggregate classification (germline): Likely benign. Review status: criteria provided, multiple submitters, no conflicts (2 of 4 stars). 3 submissions from 3 submitters: Likely benign (3). Last evaluated 2025-09-09.

Conditions:
Hereditary cancer-predisposing syndrome. Also called: Hereditary Cancer Syndrome; Neoplastic Syndromes, Hereditary; Tumor predisposition; Hereditary neoplastic syndrome. Identifiers: Orphanet 140162, MedGen C0027672, MeSH D009386, MONDO:0015356.

Allele frequency attached by ClinVar (database versions not stated): gnomAD exomes below 0.00001.
gnomAD v4.1: 2 of 1,614,128 alleles (0.00012%); highest among the groups gnomAD compares: Non-Finnish European, 0.00017%; no homozygotes.

Submissions (3):

Labcorp Genetics (formerly Invitae), Labcorp
Classification: Likely benign. Last evaluated: 2025-09-09. Review status: criteria provided, single submitter. Criteria: Invitae Variant Classification Sherloc (09022015). Collection method: clinical testing. Allele origin: germline.

Ambry Genetics
Classification: Likely benign for Hereditary cancer-predisposing syndrome. Last evaluated: 2023-01-19. Review status: criteria provided, single submitter. Criteria: Ambry Variant Classification Scheme 2023. Collection method: clinical testing. Allele origin: germline.

GeneDx
Classification: Likely benign. Last evaluated: 2018-02-12. Review status: criteria provided, single submitter. Criteria: GeneDx Variant Classification (06012015). Collection method: clinical testing. Allele origin: germline. Affected: yes.
Comment: This variant is considered likely benign or benign based on one or more of the following criteria: it is a conservative change, it occurs at a poorly conserved position in the protein, it is predicted to be benign by multiple in silico algorithms, and/or has population frequency not consistent with disease.

NM_006231.4(POLE):c.180A>G (p.Thr60=)

Gene: POLE (DNA polymerase epsilon, catalytic subunit; minus strand). Cytogenetic location: 12q24.33.
Variant type: single nucleotide variant.
Coding change: c.180A>G on transcript NM_006231.4 (MANE Select); coding-DNA position 180, A replaced by G.
Protein change: p.Thr60=; no amino-acid change (threonine 60 retained).
Molecular consequence: synonymous variant.
Genome position (GRCh38, 1-based): chr12:132,681,162, T>C on the plus strand (A>G on the coding strand, the complement: POLE is on the minus strand). VCF-style: chr12-132681162-T-C. GRCh37 (hg19) VCF-style: chr12-133257748-T-C.
Identifiers: ClinVar variation 515524 (VCV000515524.13), dbSNP rs1555230398, ClinGen allele CA482725444.